The following is an entry in ClinVar:

NM_001366385.1(CARD14):c.710A>G (p.Asn237Ser)

Gene: CARD14 (caspase recruitment domain family member 14; plus strand). Cytogenetic location: 17q25.3.
Variant type: single nucleotide variant.
Coding change: c.710A>G on transcript NM_001366385.1 (MANE Select); coding-DNA position 710, A replaced by G.
Protein change: p.Asn237Ser; replaces asparagine 237 with serine.
Molecular consequence: missense variant. On other transcripts: 5 prime UTR variant (1), non-coding transcript variant (1).
Genome position (GRCh38, 1-based): chr17:80,188,411, A>G. VCF-style: chr17-80188411-A-G. GRCh37 (hg19) VCF-style: chr17-78162210-A-G.
Other names: c.710A>G, p.Asn237Ser (NM_001257970.1, NM_024110.4); c.-2A>G (NM_052819.3); short protein forms N237S.
Identifiers: ClinVar variation 1487565 (VCV001487565.8), dbSNP rs2144233960, ClinGen allele CA401340911.

ClinVar aggregate classification (germline): Uncertain significance (1 of 4 stars; one submission).

Conditions:
Pityriasis rubra pilaris (PRP). Also called: Pityriasis rubra pilaris--familial type. Identifiers: Orphanet 2897, MedGen C0032027, MONDO:0100017, OMIM 173200, MONDO:0008251.
Psoriasis 2. Identifiers: MedGen C1864497, MONDO:0011269, OMIM 602723.

Allele frequency attached by ClinVar (database versions not stated): gnomAD exomes below 0.00001.
gnomAD v4.1: 3 of 1,610,994 alleles (0.00019%); highest among the groups gnomAD compares: African/African-American, 0.0013%; no homozygotes.

Submission:

Labcorp Genetics (formerly Invitae), Labcorp
Classification: Uncertain significance for Pityriasis rubra pilaris; Psoriasis 2. Last evaluated: 2022-07-21. Review status: criteria provided, single submitter. Criteria: Invitae Variant Classification Sherloc (09022015). Collection method: clinical testing. Allele origin: germline.
Comment: Algorithms developed to predict the effect of missense changes on protein structure and function output the following: SIFT: "Tolerated"; PolyPhen-2: "Benign"; Align-GVGD: "Class C0". The serine amino acid residue is found in multiple mammalian species, which suggests that this missense change does not adversely affect protein function. In summary, the available evidence is currently insufficient to determine the role of this variant in disease. Therefore, it has been classified as a Variant of Uncertain Significance. ClinVar contains an entry for this variant (Variation ID: 1487565). This variant has not been reported in the literature in individuals affected with CARD14-related conditions. This variant is not present in population databases (gnomAD no frequency). This sequence change replaces asparagine, which is neutral and polar, with serine, which is neutral and polar, at codon 237 of the CARD14 protein (p.Asn237Ser).